The following is an entry in ClinVar:

ClinVar aggregate classification (germline): Pathogenic/Likely pathogenic. Review status: criteria provided, multiple submitters, no conflicts (2 of 4 stars). 2 submissions from 2 submitters: Pathogenic (1); Likely pathogenic (1). Last evaluated 2025-03-14.

Conditions:
Brugada syndrome 3 (BRGDA3). Identifiers: Orphanet 130, MedGen C2678478, MONDO:0012742, OMIM 611875.
Long QT syndrome 8. Identifiers: MedGen CN260585, MONDO:0032756, OMIM 618447.
Timothy syndrome (TS). Also called: LONG QT SYNDROME WITH SYNDACTYLY. Identifiers: Orphanet 65283, MedGen C1832916, MeSH C536962, MONDO:0010979, OMIM 601005.
Neurodevelopmental disorder with hypotonia, language delay, and skeletal defects with or without seizures (NEDHLSS). Identifiers: MedGen C5774213, MONDO:0859286, OMIM 620029.

Submissions (2):

GeneDx
Classification: Pathogenic. Last evaluated: 2025-03-14. Review status: criteria provided, single submitter. Criteria: GeneDx Variant Classification Process June 2021. Collection method: clinical testing. Allele origin: germline. Affected: yes.
Comment: Not observed at significant frequency in large population cohorts (gnomAD); In silico analysis supports that this missense variant has a deleterious effect on protein structure/function; This variant is associated with the following publications: (PMID: 33057194, 35982159, 34163037)

Juno Genomics, Hangzhou Juno Genomics, Inc
Classification: Likely pathogenic for Neurodevelopmental disorder with hypotonia, language delay, and skeletal defects with or without seizures; Brugada syndrome 3; Long QT syndrome 8; Timothy syndrome. Review status: criteria provided, single submitter. Criteria: ACMG Guidelines, 2015. Collection method: clinical testing. Allele origin: germline. Affected: yes.
Comment: Absent from controls (or at extremely low frequency if recessive) in Genome Aggregation Database, Exome Sequencing Project, 1000 Genomes Project, or Exome Aggregation Consortium.;Multiple lines of computational evidence support a deleterious effect on the gene or gene product (conservation, evolutionary, splicing impact, etc).;Missense variant in a gene that has a low rate of benign missense variation and where missense variants are a common mechanism of disease.;Assumed de novo, but without confirmation of paternity and maternity.;Patient's phenotype or family history is highly specific for a disease with a single genetic etiology.

NM_000719.7(CACNA1C):c.1832T>C (p.Met611Thr)

Gene: CACNA1C (calcium voltage-gated channel subunit alpha1 C; plus strand). Cytogenetic location: 12p13.33.
Variant type: single nucleotide variant.
Coding change: c.1832T>C on transcript NM_000719.7 (MANE Select); coding-DNA position 1832, T replaced by C.
Protein change: p.Met611Thr; replaces methionine 611 with threonine.
Molecular consequence: missense variant.
Genome position (GRCh38, 1-based): chr12:2,567,731, T>C. VCF-style: chr12-2567731-T-C. GRCh37 (hg19) VCF-style: chr12-2676897-T-C.
Other names: c.1832T>C, p.Met611Thr (NM_001129840.2, NM_001129841.2, NM_001129842.2 and 18 more transcripts); c.1823T>C, p.Met608Thr (NM_001129844.2); short protein forms M608T, M611T.
Identifiers: ClinVar variation 3382740 (VCV003382740.3).
Genomic context (GRCh38, chr12:2,567,731, plus strand): 5'-TTGACTGCTTCGTCGTGTGTGGCGGCATCCTGGAGACCATCCTGGTGGAGACCAAGATCA[T>C]GTCCCCACTGGGCATCTCCGTGCTCAGATGCGTCCGGCTGCTGAGGATTTTCAAGATCAC-3'
Protein context (NP_000710.5, residues 601-621): LETILVETKI[Met611Thr]SPLGISVLRC